The following is an entry in ClinVar:

NM_025114.4(CEP290):c.385A>G (p.Arg129Gly)

Gene: CEP290 (centrosomal protein 290; minus strand). Cytogenetic location: 12q21.32.
Variant type: single nucleotide variant.
Coding change: c.385A>G on transcript NM_025114.4 (MANE Select); coding-DNA position 385, A replaced by G.
Protein change: p.Arg129Gly; replaces arginine 129 with glycine.
Molecular consequence: missense variant.
Genome position (GRCh38, 1-based): chr12:88,136,699, T>C on the plus strand (A>G on the coding strand, the complement: CEP290 is on the minus strand). VCF-style: chr12-88136699-T-C. GRCh37 (hg19) VCF-style: chr12-88530476-T-C.
Other names: c.385A>G (NM_025114.3); short protein forms R129G.
Identifiers: ClinVar variation 1495658 (VCV001495658.4), dbSNP rs2138214415, ClinGen allele CA385987377.

ClinVar aggregate classification (germline): Uncertain significance. Review status: criteria provided, multiple submitters, no conflicts (2 of 4 stars). 2 submissions from 2 submitters: Uncertain significance (2). Last evaluated 2025-09-26.

Conditions:
Nephronophthisis. Also called: Juvenile Nephronophthisis. Identifiers: Orphanet 655, MedGen C0687120, MONDO:0019005, HP:0000090.
Joubert syndrome. Also called: Familial aplasia of the vermis; JOUBERT-BOLTSHAUSER SYNDROME. Identifiers: Orphanet 475, MedGen C5979921, MONDO:0018772.
Meckel-Gruber syndrome. Also called: Dysencephalia splachnocystica; DYSENCEPHALIA SPLANCHNOCYSTICA; GRUBER SYNDROME. Identifiers: Orphanet 564, MedGen C0265215, MONDO:0018921.
CEP290-related disorder. Also called: CEP290-related disorders; CEP290-related condition. Identifiers: MedGen CN239314.

Allele frequency attached by ClinVar (database versions not stated): gnomAD exomes below 0.00001.
gnomAD v4.1: 3 of 1,613,250 alleles (0.00019%); highest among the groups gnomAD compares: Admixed American, 0.0017%; no homozygotes.

Submissions (2):

PreventionGenetics, part of Exact Sciences
Classification: Uncertain significance for CEP290-related condition. Last evaluated: 2025-09-26. Review status: criteria provided, single submitter. Criteria: ACMG Guidelines, 2015. Collection method: clinical testing. Allele origin: germline.
Comment: The CEP290 c.385A>G variant is predicted to result in the amino acid substitution p.Arg129Gly. To our knowledge, this variant has not been reported in the literature or in a large population database (gnomAD), indicating this variant is rare. At this time, the clinical significance of this variant is uncertain due to the absence of conclusive functional and genetic evidence.

Labcorp Genetics (formerly Invitae), Labcorp
Classification: Uncertain significance for Joubert syndrome; Meckel-Gruber syndrome; Nephronophthisis. Last evaluated: 2021-10-08. Review status: criteria provided, single submitter. Criteria: Invitae Variant Classification Sherloc (09022015). Collection method: clinical testing. Allele origin: germline.
Comment: This sequence change replaces arginine with glycine at codon 129 of the CEP290 protein (p.Arg129Gly). The arginine residue is moderately conserved and there is a moderate physicochemical difference between arginine and glycine. This variant is not present in population databases (ExAC no frequency). This variant has not been reported in the literature in individuals affected with CEP290-related conditions. Algorithms developed to predict the effect of missense changes on protein structure and function (SIFT, PolyPhen-2, Align-GVGD) all suggest that this variant is likely to be tolerated. In summary, the available evidence is currently insufficient to determine the role of this variant in disease. Therefore, it has been classified as a Variant of Uncertain Significance.